The following is an entry in ClinVar:

ClinVar aggregate classification (germline): Pathogenic/Likely pathogenic. Review status: criteria provided, multiple submitters, no conflicts (2 of 4 stars). 9 submissions from 9 submitters: Pathogenic (3); Likely pathogenic (5). 1 of the submissions does not count toward it. Last evaluated 2025-12-17.

Conditions:
ETFDH-related disorder. Also called: ETFDH-related condition.
Glutaric acidemia type 2C.
Multiple acyl-CoA dehydrogenase deficiency (MADD). Also called: Glutaric Acidemia type 2; Glutaric aciduria, type 2; Glutaric acidemia type II; GA 2; ETHYLMALONIC-ADIPICACIDURIA; GA II. Identifiers: Orphanet 26791, MedGen C0268596, MONDO:0009282, OMIM 231680.

Allele frequency attached by ClinVar (database versions not stated): ExAC 0.00001; gnomAD exomes 0.00003 and below 0.00001; gnomAD 0.00001; TOPMed 0.00003.
gnomAD v4.1: 38 of 1,601,974 alleles (0.0024%); highest among the groups gnomAD compares: Admixed American, 0.0067%; no homozygotes.

Submissions (9):

Natera, Inc.
Classification: Likely pathogenic for Glutaric acidemia type 2C. Last evaluated: 2025-12-17. Review status: criteria provided, single submitter. Criteria: Natera Variant Classification Schema (03/2026). Collection method: clinical testing. Allele origin: germline.
Comment: The c.79C>T variant in ETFDH is a missense variant predicted to cause substitution of proline to serine at amino acid 27. This variant is rare in the general population with a frequency below the threshold expected for the associated phenotype(s). This variant has been observed in one or more individuals affected with the associated recessive disease, as either homozygous or compound heterozygous with a second variant (PMID: 27038534). Additionally, this variant has been observed to segregate in affected family members (PMID: 20023066, 31268564). Multiple computational prediction algorithms suggest this variant is unlikely to affect gene or protein function. Given the available evidence, this variant is classified as Likely Pathogenic.

Labcorp Genetics (formerly Invitae), Labcorp
Classification: Pathogenic for Multiple acyl-CoA dehydrogenase deficiency. Last evaluated: 2025-10-13. Review status: criteria provided, single submitter. Criteria: Invitae Variant Classification Sherloc (09022015). Collection method: clinical testing. Allele origin: germline.
Comment: This sequence change replaces proline, which is neutral and non-polar, with serine, which is neutral and polar, at codon 27 of the ETFDH protein (p.Pro27Ser). This variant is present in population databases (rs537038850, gnomAD 0.003%). This missense change has been observed in individual(s) with multiple Acyl-CoA dehydrogenase deficiency (PMID: 20023066, 27038534, 31268564; internal data). In at least one individual the data is consistent with being in trans (on the opposite chromosome) from a pathogenic variant. ClinVar contains an entry for this variant (Variation ID: 167040). Invitae Evidence Modeling of protein sequence and biophysical properties (such as structural, functional, and spatial information, amino acid conservation, physicochemical variation, residue mobility, and thermodynamic stability) indicates that this missense variant is not expected to disrupt ETFDH protein function with a negative predictive value of 95%. Experimental studies are conflicting or provide insufficient evidence to determine the effect of this variant on ETFDH function (PMID: 31268564). Algorithms developed to predict the effect of sequence changes on RNA splicing suggest that this variant may create or strengthen a splice site. For these reasons, this variant has been classified as Pathogenic.

Dasa
Classification: Likely pathogenic for Multiple acyl-CoA dehydrogenase deficiency. Last evaluated: 2025-04-14. Review status: criteria provided, single submitter. Criteria: DASA Assertion Criteria. Collection method: clinical testing. Allele origin: germline.
Comment: NM_004453.4(ETFDH):c.79C>T (p.Pro27Ser) is a missense variant that results in the substitution of proline with serine. This variant has been recurrently observed in individuals with ETFDH-related disorders (PMID: 20023066; PMID: 27038534; PMID: 31268564). Also, this variant is rare in population databases. Based on the currently available evidence, this variant is classified as likely pathogenic.

Blueprint Genetics
Classification: Likely pathogenic for ETFDH-related disorders. Last evaluated: 2024-07-22. Review status: criteria provided, single submitter. Criteria: ACMG Guidelines, 2015. Collection method: clinical testing. Allele origin: germline. Affected: yes. Observed: 5 variant alleles.

Fulgent Genetics
Classification: Pathogenic for Multiple acyl-CoA dehydrogenase deficiency. Last evaluated: 2024-06-06. Review status: criteria provided, single submitter. Criteria: ACMG Guidelines, 2015. Collection method: clinical testing. Allele origin: germline.

Kariminejad - Najmabadi Pathology & Genetics Center
Classification: Likely pathogenic for Multiple acyl-CoA dehydrogenase deficiency. Last evaluated: 2024-05-07. Review status: criteria provided, single submitter. Criteria: ACMG Guidelines, 2015. Collection method: clinical testing. Allele origin: germline. Inheritance: Autosomal recessive inheritance. Affected: yes.
Comment: PM3_mo,PM2_mo,PP2_su,PP5

GeneDx
Classification: Pathogenic. Last evaluated: 2024-04-02. Review status: criteria provided, single submitter. Criteria: GeneDx Variant Classification Process June 2021. Collection method: clinical testing. Allele origin: germline. Affected: yes.
Comment: Not observed at significant frequency in large population cohorts (gnomAD); In silico analysis, which includes splice predictors and evolutionary conservation, suggests this variant may impact gene splicing; in the absence of RNA/functional studies, the actual effect of this sequence change is unknown; In silico analysis supports that this missense variant does not alter protein structure/function; This variant is associated with the following publications: (PMID: 32007756, 32778825, 20023066, 27038534, 31268564)

Baylor Genetics
Classification: Likely pathogenic for Multiple acyl-CoA dehydrogenase deficiency. Last evaluated: 2024-02-05. Review status: criteria provided, single submitter. Criteria: ACMG Guidelines, 2015. Collection method: clinical testing. Allele origin: unknown.

Eurofins Ntd Llc (ga)
Classification: Uncertain significance. Last evaluated: 2014-02-10. Review status: flagged submission. Criteria: EGL Classification Definitions 2015. Collection method: clinical testing. Allele origin: germline. Observed: 1 variant allele, 1 heterozygote. Not counted in ClinVar's aggregate classification.
ClinVar note: Reason: Older and outlier claim with insufficient supporting evidence

Literature cited by the submitters: PubMed 27038534 (cited by 3 submitters); PubMed 20023066 (cited by 3 submitters); PubMed 31268564 (cited by 3 submitters).

NM_004453.4(ETFDH):c.79C>T (p.Pro27Ser)

Gene: ETFDH (electron transfer flavoprotein dehydrogenase; plus strand). Cytogenetic location: 4q32.1.
Variant type: single nucleotide variant.
Coding change: c.79C>T on transcript NM_004453.4 (MANE Select); coding-DNA position 79, C replaced by T.
Protein change: p.Pro27Ser; replaces proline 27 with serine.
Molecular consequence: missense variant. On other transcripts: intron variant (1).
Genome position (GRCh38, 1-based): chr4:158,680,511, C>T. VCF-style: chr4-158680511-C-T. GRCh37 (hg19) VCF-style: chr4-159601663-C-T.
Other names: c.35-1684C>T (NM_001281737.2); short protein forms P27S.
Identifiers: ClinVar variation 167040 (VCV000167040.28), dbSNP rs537038850, ClinGen allele CA233953.
Genomic context (GRCh38, chr4:158,680,511, plus strand): 5'-CGTAATTTTTGTGCAGCATATCAGTGCTTTCATGCCTTAAAAATTAAGAAAAATTATCTA[C>T]CTCTATGTGCTACAAGATGGTCTTCAACTTCTACTGTGCCTCGAATTACTACCCATTATA-3'
Protein context (NP_004444.2, residues 17-37): HALKIKKNYL[Pro27Ser]LCATRWSSTS